The following is an entry in ClinVar:

ClinVar aggregate classification (germline): Pathogenic (1 of 4 stars; one submission).

Conditions:
Wilms tumor 1 (WT1). Also called: Wilms tumor, somatic. Identifiers: Orphanet 654, MedGen CN033288, MONDO:0008679, OMIM 194070.
11p partial monosomy syndrome (WAGR). Also called: WAGR syndrome; WAGR Complex; WAGR Spectrum Disorder; CHROMOSOME 11p13 DELETION SYNDROME. Identifiers: Orphanet 893, MedGen C0206115, MONDO:0008681, OMIM 194072.
Drash syndrome (DDS). Also called: WILMS TUMOR AND PSEUDO- OR TRUE HERMAPHRODITISM; NEPHROPATHY, WILMS TUMOR, AND GENITAL ANOMALIES. Identifiers: Orphanet 220, MedGen C0950121, MONDO:0008682, OMIM 194080.
Frasier syndrome. Identifiers: Orphanet 347, MedGen C0950122, MeSH D052159, MONDO:0007635, OMIM 136680.

Submission:

Labcorp Genetics (formerly Invitae), Labcorp
Classification: Pathogenic for Wilms tumor 1; Drash syndrome; 11p partial monosomy syndrome; Frasier syndrome. Last evaluated: 2023-10-28. Review status: criteria provided, single submitter. Criteria: Invitae Variant Classification Sherloc (09022015). Collection method: clinical testing. Allele origin: germline.
Comment: This sequence change creates a premature translational stop signal (p.Cys453*) in the WT1 gene. It is expected to result in an absent or disrupted protein product. Loss-of-function variants in WT1 are known to be pathogenic (PMID: 15150775). This variant is not present in population databases (gnomAD no frequency). This variant has not been reported in the literature in individuals affected with WT1-related conditions. For these reasons, this variant has been classified as Pathogenic.

Literature cited by the submitters: PubMed 15150775.

NM_024426.6(WT1):c.1374del (p.Gln457_Cys458insTer)

Gene: WT1 (WT1 transcription factor; minus strand). Cytogenetic location: 11p13.
Variant type: Deletion.
Coding change: c.1374del on transcript NM_024426.6 (MANE Select); coding-DNA position 1374, one base deleted (T; older notation c.1374delT).
Protein change: p.Gln457_Cys458insTer.
Molecular consequence: nonsense. On other transcripts: frameshift variant (1), non-coding transcript variant (2), intron variant (2).
Genome position (GRCh38, 1-based): chr11:32,392,045, A deleted on the plus strand (T on the coding strand, the reverse complement: WT1 is on the minus strand). VCF-style (leftmost placement, unchanged base first): chr11-32392044-TA-T. GRCh37 (hg19) VCF-style: chr11-32413590-TA-T.
Other names: c.1323del, p.Gln440_Cys441insTer (NM_000378.6, NM_001407045.1); c.723del, p.Gln240_Cys241insTer (NM_001198551.2); c.672del, p.Gln223_Cys224insTer (NM_001198552.2); c.186del, p.Gln61_Cys62insTer (NM_001367854.1); c.1368del, p.Gln455_Cys456insTer (NM_001407044.1); c.1251del, p.Gln416_Cys417insTer (NM_001407047.1); c.1233del, p.Gln410_Cys411insTer (NM_001407048.1); c.1200del, p.Gln399_Cys400insTer (NM_001407050.1); and 5 more.
Identifiers: ClinVar variation 2953324 (VCV002953324.3), dbSNP rs2494732058, ClinGen allele CA2740093687.